The following is an entry in ClinVar:

NM_015100.4(POGZ):c.-2+120C>G

Gene: POGZ (pogo transposable element derived with ZNF domain; minus strand). Cytogenetic location: 1q21.3.
Variant type: single nucleotide variant.
Coding change: c.-2+120C>G on transcript NM_015100.4 (MANE Select); 120 bases into the intron after 2 bases upstream of the start codon, C replaced by G.
Molecular consequence: intron variant.
Genome position (GRCh38, 1-based): chr1:151,459,032, G>C on the plus strand (C>G on the coding strand, the complement: POGZ is on the minus strand). VCF-style: chr1-151459032-G-C. GRCh37 (hg19) VCF-style: chr1-151431508-G-C.
Other names: c.-2+120C>G (NM_001194938.2, NM_145796.4, NM_001194937.2); c.20+8C>G (NM_001410860.1).
Identifiers: ClinVar variation 3026441 (VCV003026441.22), dbSNP rs1399269049, ClinGen allele CA526273655.
Genomic context (GRCh38, chr1:151,459,032, plus strand): 5'-GCCGCGCCGCCACTCGCGGTGGGCGGGGGCGCGCACCGCCGGCCCCCCGCCCCCACCCCC[G>C]CGCGTACCGGCCCCATCCCCCTCTCATTGTCTCGCCTCTGAACGCCTCGCCGAGCGAAAA-3'

ClinVar aggregate classification (germline): Likely benign (1 of 4 stars; one submission).

Submission:

CeGaT Center for Human Genetics Tuebingen
Classification: Likely benign. Last evaluated: 2023-12-01. Review status: criteria provided, single submitter. Criteria: CeGaT Center For Human Genetics Tuebingen Variant Classification Criteria Version 2. Collection method: clinical testing. Allele origin: germline. Affected: yes. Observed: 1 variant allele.
Comment: POGZ: BP4, BS1